The following is an entry in ClinVar:

ClinVar aggregate classification (germline): Likely benign. Review status: criteria provided, multiple submitters, no conflicts (2 of 4 stars). 3 submissions from 3 submitters: Likely benign (2). 1 of the submissions does not count toward it. Last evaluated 2025-10-16.

Conditions:
Inborn genetic diseases. Identifiers: MedGen C0950123, MeSH D030342.
TRRAP-related disorder. Also called: TRRAP-related condition.

Allele frequency attached by ClinVar (database versions not stated): gnomAD exomes 0.00005; ESP Exome Variant Server 0.00031; gnomAD 0.00046; ExAC 0.00012; 1000 Genomes Project 0.00060; 1000 Genomes Project 30x 0.00047.
gnomAD v4.1: 152 of 1,614,112 alleles (0.0094%); highest among the groups gnomAD compares: African/African-American, 0.14%; 1 homozygote.

Submissions (3):

Labcorp Genetics (formerly Invitae), Labcorp
Classification: Likely benign. Last evaluated: 2025-10-16. Review status: criteria provided, single submitter. Criteria: Invitae Variant Classification Sherloc (09022015). Collection method: clinical testing. Allele origin: germline.

Ambry Genetics
Classification: Likely benign for Inborn genetic diseases. Last evaluated: 2021-09-17. Review status: criteria provided, single submitter. Criteria: Ambry Variant Classification Scheme 2023. Collection method: clinical testing. Allele origin: germline.

PreventionGenetics, part of Exact Sciences
Classification: Likely benign for TRRAP-related condition. Last evaluated: 2019-03-22. Review status: no assertion criteria provided. Collection method: clinical testing. Allele origin: germline. Not counted in ClinVar's aggregate classification.
Comment: This variant is classified as likely benign based on ACMG/AMP sequence variant interpretation guidelines (Richards et al. 2015 PMID: 25741868, with internal and published modifications).

NM_001375524.1(TRRAP):c.11042C>T (p.Thr3681Met)

Gene: TRRAP (transformation/transcription domain associated protein; plus strand). Cytogenetic location: 7q22.1.
Variant type: single nucleotide variant.
Coding change: c.11042C>T on transcript NM_001375524.1 (MANE Select); coding-DNA position 11042, C replaced by T.
Protein change: p.Thr3681Met; replaces threonine 3681 with methionine.
Molecular consequence: missense variant.
Genome position (GRCh38, 1-based): chr7:99,011,155, C>T. VCF-style: chr7-99011155-C-T. GRCh37 (hg19) VCF-style: chr7-98608778-C-T.
Other names: c.10913C>T (NM_003496.3); c.11000C>T, p.Thr3667Met (NM_001244580.2); c.10913C>T, p.Thr3638Met (NM_003496.4); short protein forms T3667M, T3638M, T3681M.
Identifiers: ClinVar variation 2394985 (VCV002394985.7), dbSNP rs145586252, ClinGen allele CA4362072.